The following is an entry in ClinVar:

NM_001440.4(EXTL3):c.1726G>T (p.Gly576Trp)

Gene: EXTL3 (exostosin like glycosyltransferase 3; plus strand). Cytogenetic location: 8p21.1.
Variant type: single nucleotide variant.
Coding change: c.1726G>T on transcript NM_001440.4 (MANE Select); coding-DNA position 1726, G replaced by T.
Protein change: p.Gly576Trp; replaces glycine 576 with tryptophan.
Molecular consequence: missense variant.
Genome position (GRCh38, 1-based): chr8:28,717,785, G>T. VCF-style: chr8-28717785-G-T. GRCh37 (hg19) VCF-style: chr8-28575302-G-T.
Other names: short protein forms G576W.
Identifiers: ClinVar variation 2133826 (VCV002133826.4), dbSNP rs2486631030, ClinGen allele CA370860678.

ClinVar aggregate classification (germline): Uncertain significance (1 of 4 stars; one submission).

Submission:

Labcorp Genetics (formerly Invitae), Labcorp
Classification: Uncertain significance. Last evaluated: 2022-05-04. Review status: criteria provided, single submitter. Criteria: Invitae Variant Classification Sherloc (09022015). Collection method: clinical testing. Allele origin: germline.
Comment: This variant is not present in population databases (gnomAD no frequency). This variant has not been reported in the literature in individuals affected with EXTL3-related conditions. Algorithms developed to predict the effect of missense changes on protein structure and function (SIFT, PolyPhen-2, Align-GVGD) all suggest that this variant is likely to be disruptive. In summary, the available evidence is currently insufficient to determine the role of this variant in disease. Therefore, it has been classified as a Variant of Uncertain Significance. This sequence change replaces glycine, which is neutral and non-polar, with tryptophan, which is neutral and slightly polar, at codon 576 of the EXTL3 protein (p.Gly576Trp).